The following is an entry in ClinVar:

ClinVar aggregate classification (germline): Likely benign (1 of 4 stars; one submission).

Allele frequency attached by ClinVar (database versions not stated): ExAC 0.00014; gnomAD 0.00017; TOPMed 0.00022; 1000 Genomes Project 30x 0.00031; ESP Exome Variant Server 0.00041; gnomAD exomes 0.00041.
gnomAD v4.1: 601 of 1,612,102 alleles (0.037%); highest among the groups gnomAD compares: Non-Finnish European, 0.05%; no homozygotes.

Submission:

CeGaT Center for Human Genetics Tuebingen
Classification: Likely benign. Last evaluated: 2023-07-01. Review status: criteria provided, single submitter. Criteria: CeGaT Center For Human Genetics Tuebingen Variant Classification Criteria Version 2. Collection method: clinical testing. Allele origin: germline. Affected: yes. Observed: 1 variant allele.
Comment: MED13: BP4, BP7

NM_005121.3(MED13):c.1323A>T (p.Gly441=)

Gene: MED13 (mediator complex subunit 13; minus strand). Cytogenetic location: 17q23.2.
Variant type: single nucleotide variant.
Coding change: c.1323A>T on transcript NM_005121.3 (MANE Select); coding-DNA position 1323, A replaced by T.
Protein change: p.Gly441=; no amino-acid change (glycine 441 retained).
Molecular consequence: synonymous variant.
Genome position (GRCh38, 1-based): chr17:62,011,194, T>A on the plus strand (A>T on the coding strand, the complement: MED13 is on the minus strand). VCF-style: chr17-62011194-T-A. GRCh37 (hg19) VCF-style: chr17-60088555-T-A.
Identifiers: ClinVar variation 2648018 (VCV002648018.24), dbSNP rs201330998, ClinGen allele CA8693075.